The following is an entry in ClinVar:

NM_000038.6(APC):c.3638C>A (p.Ser1213Ter)

Gene: APC (APC regulator of Wnt signaling pathway; plus strand). Cytogenetic location: 5q22.2.
Variant type: single nucleotide variant.
Coding change: c.3638C>A on transcript NM_000038.6 (MANE Select); coding-DNA position 3638, C replaced by A.
Protein change: p.Ser1213Ter; replaces serine 1213 with a stop codon.
Molecular consequence: nonsense.
Genome position (GRCh38, 1-based): chr5:112,839,232, C>A. VCF-style: chr5-112839232-C-A. GRCh37 (hg19) VCF-style: chr5-112174929-C-A.
Other names: c.3668C>A, p.Ser1223Ter (NM_001354897.2); c.3563C>A, p.Ser1188Ter (NM_001354898.2); c.3554C>A, p.Ser1185Ter (NM_001354899.2); c.3515C>A, p.Ser1172Ter (NM_001354900.2); c.3461C>A, p.Ser1154Ter (NM_001354901.2); c.3365C>A, p.Ser1122Ter (NM_001354902.2); c.3335C>A, p.Ser1112Ter (NM_001354903.2); c.3260C>A, p.Ser1087Ter (NM_001354904.2); and 5 more; short protein forms S1185*, S1231*, S1154*, S1172*, S1213*, S1053*, S1087*, S1122*.
Identifiers: ClinVar variation 1421867 (VCV001421867.8), dbSNP rs1554085199, ClinGen allele CA16029321.

ClinVar aggregate classification (germline): Pathogenic (1 of 4 stars; one submission).

Conditions:
Familial adenomatous polyposis 1 (FAP1). Also called: POLYPOSIS, ADENOMATOUS INTESTINAL; FAMILIAL ADENOMATOUS POLYPOSIS 1, ATTENUATED. Identifiers: MedGen C2713442, MONDO:0021056, OMIM 175100. Disease mechanism: loss of function.

Submission:

Labcorp Genetics (formerly Invitae), Labcorp
Classification: Pathogenic for Familial adenomatous polyposis 1. Last evaluated: 2020-12-30. Review status: criteria provided, single submitter. Criteria: Invitae Variant Classification Sherloc (09022015). Collection method: clinical testing. Allele origin: germline.
Comment: A different truncation (p.Tyr2645Lysfs*14) that lies downstream of this variant has been determined to be pathogenic (PMID: 9824584, 1316610, 27081525, 8381579, 22135120, Invitae). This suggests that deletion of this region of the APC protein is causative of disease. This variant is expected to disrupt the EB1 and HDLG binding sites, which mediate interactions with the cytoskeleton (PMID: 15311282, 17293347). While functional studies have not been performed to directly test the effect on APC protein function, this suggests that disruption of the C-terminal portion of the protein is functionally important. For these reasons, this variant has been classified as Pathogenic. This variant has not been reported in the literature in individuals with APC-related conditions. This variant is not present in population databases (ExAC no frequency). This sequence change creates a premature translational stop signal (p.Ser1213*) in the APC gene. While this is not anticipated to result in nonsense mediated decay, it is expected to disrupt the last 1631 amino acid(s) of the APC protein.

Literature cited by the submitters: PubMed 9824584; PubMed 1316610; PubMed 27081525; PubMed 8381579; PubMed 22135120; PubMed 15311282; PubMed 17293347.